The following is an entry in ClinVar:

ClinVar aggregate classification (germline): Uncertain significance (1 of 4 stars; one submission).

Conditions:
Intellectual developmental disorder, autosomal dominant 64. Also called: MENTAL RETARDATION, AUTOSOMAL DOMINANT 64. Identifiers: MedGen C5543067, MONDO:0030934, OMIM 619188.

Allele frequency attached by ClinVar (database versions not stated): gnomAD exomes below 0.00001; gnomAD 0.00001; 1000 Genomes Project 30x 0.00016; 1000 Genomes Project 0.00020.
gnomAD v4.1: 3 of 1,613,672 alleles (0.00019%); highest among the groups gnomAD compares: Admixed American, 0.0033%; no homozygotes.

Submission:

Neuberg Centre For Genomic Medicine, NCGM
Classification: Uncertain significance for Intellectual developmental disorder, autosomal dominant 64. Review status: criteria provided, single submitter. Criteria: ACMG Guidelines, 2015. Collection method: clinical testing. Allele origin: germline. Inheritance: Autosomal dominant inheritance. Affected: yes.
Comment: The missense variant c.4825A>Gp.Ile1609Val in ZNF292 gene has not been reported previously as a pathogenic variant nor as a benign variant, to our knowledge. The variant is novel not in any individuals in gnomAD Exomes and 1000 Genomes. The amino acid Isoleucine at position 1609 is changed to a Valine changing protein sequence and it might alter its composition and physico-chemical properties. The variant is predicted to be damaging by SIFT. The amino acid change p.Ile1609Val in ZNF292 is predicted as conserved by GERP++ and PhyloP across 100 vertebrates. For these reasons, this variant has been classified as Uncertain Significance.

NM_015021.3(ZNF292):c.4825A>G (p.Ile1609Val)

Gene: ZNF292 (zinc finger protein 292; plus strand). Cytogenetic location: 6q14.3.
Variant type: single nucleotide variant.
Coding change: c.4825A>G on transcript NM_015021.3 (MANE Select); coding-DNA position 4825, A replaced by G.
Protein change: p.Ile1609Val; replaces isoleucine 1609 with valine.
Molecular consequence: missense variant.
Genome position (GRCh38, 1-based): chr6:87,258,454, A>G. VCF-style: chr6-87258454-A-G. GRCh37 (hg19) VCF-style: chr6-87968172-A-G.
Other names: c.4405A>G, p.Ile1469Val (NM_001351444.2); short protein forms I1469V, I1609V.
Identifiers: ClinVar variation 3234939 (VCV003234939.1), dbSNP rs201381838, ClinGen allele CA142837363.